The following is an entry in ClinVar:

ClinVar aggregate classification (germline): Uncertain significance (1 of 4 stars; one submission).

Conditions:
Achondrogenesis, type IB (ACG1B). Also called: Achondrogenesis Type 1B. Identifiers: Orphanet 932, Orphanet 93298, MedGen C0265274, MONDO:0010966, OMIM 600972.
Multiple epiphyseal dysplasia type 4 (EDM4). Also called: Multiple Epiphyseal Dysplasia, Recessive; MULTIPLE EPIPHYSEAL DYSPLASIA WITH BILAYERED PATELLAE; MULTIPLE EPIPHYSEAL DYSPLASIA WITH CLUBFOOT; MULTIPLE EPIPHYSEAL DYSPLASIA, AUTOSOMAL RECESSIVE; SLC26A2-Related Multiple Epiphyseal Dysplasia. Identifiers: Orphanet 93307, MedGen C1847593, MONDO:0009189, OMIM 226900.
Atelosteogenesis type II (AO2). Also called: NEONATAL OSSEOUS DYSPLASIA I; Neonatal osseous dysplasia 1; SLC26A2-Related Atelosteogenesis. Identifiers: Orphanet 56304, MedGen C1850554, MONDO:0009727, OMIM 256050.
Diastrophic dysplasia (DTD). Also called: Diastrophic dwarfism. Identifiers: Orphanet 628, MedGen C0220726, MONDO:0009107, OMIM 222600.

gnomAD v4.1: 1 of 1,614,088 alleles (0.000062%); highest among the groups gnomAD compares: Non-Finnish European, 0.000085%; no homozygotes.

Submission:

Labcorp Genetics (formerly Invitae), Labcorp
Classification: Uncertain significance for Atelosteogenesis type II; Multiple epiphyseal dysplasia type 4; Achondrogenesis, type IB; Diastrophic dysplasia. Last evaluated: 2022-08-15. Review status: criteria provided, single submitter. Criteria: Invitae Variant Classification Sherloc (09022015). Collection method: clinical testing. Allele origin: germline.
Comment: This variant has not been reported in the literature in individuals affected with SLC26A2-related conditions. This sequence change replaces isoleucine, which is neutral and non-polar, with methionine, which is neutral and non-polar, at codon 679 of the SLC26A2 protein (p.Ile679Met). This variant is not present in population databases (gnomAD no frequency). Advanced modeling of protein sequence and biophysical properties (such as structural, functional, and spatial information, amino acid conservation, physicochemical variation, residue mobility, and thermodynamic stability) performed at Invitae indicates that this missense variant is not expected to disrupt SLC26A2 protein function. In summary, the available evidence is currently insufficient to determine the role of this variant in disease. Therefore, it has been classified as a Variant of Uncertain Significance.

NM_000112.4(SLC26A2):c.2037C>G (p.Ile679Met)

Gene: SLC26A2 (solute carrier family 26 member 2; plus strand). Cytogenetic location: 5q32.
Variant type: single nucleotide variant.
Coding change: c.2037C>G on transcript NM_000112.4 (MANE Select); coding-DNA position 2037, C replaced by G.
Protein change: p.Ile679Met; replaces isoleucine 679 with methionine.
Molecular consequence: missense variant.
Genome position (GRCh38, 1-based): chr5:149,981,630, C>G. VCF-style: chr5-149981630-C-G. GRCh37 (hg19) VCF-style: chr5-149361193-C-G.
Other names: short protein forms I679M.
Identifiers: ClinVar variation 2048210 (VCV002048210.4), dbSNP rs762132863, ClinGen allele CA361709676.
Genomic context (GRCh38, chr5:149,981,630, plus strand): 5'-AGATACAGCAGGGATCCACACACTGAAAGAAGTTCGCAGAGATTATGAAGCCATTGGAAT[C>G]CAGGTTCTGCTGGCTCAGTGCAATCCCACTGTGAGGGATTCCCTAACCAACGGAGAATAT-3'
Protein context (NP_000103.2, residues 669-689): EVRRDYEAIG[Ile679Met]QVLLAQCNPT